The following is an entry in ClinVar:

ClinVar aggregate classification (germline): Uncertain significance (1 of 4 stars; one submission).

Allele frequency attached by ClinVar (database versions not stated): TOPMed 0.00001.
gnomAD v4.1: 9 of 1,613,218 alleles (0.00056%); highest among the groups gnomAD compares: East Asian, 0.0022%; no homozygotes.

Submission:

GeneDx
Classification: Uncertain significance. Last evaluated: 2024-01-09. Review status: criteria provided, single submitter. Criteria: GeneDx Variant Classification Process June 2021. Collection method: clinical testing. Allele origin: germline. Affected: yes.
Comment: Not observed at significant frequency in large population cohorts (gnomAD); In silico analysis supports that this missense variant does not alter protein structure/function; Has not been previously published as pathogenic or benign to our knowledge

NM_000501.4(ELN):c.241G>A (p.Ala81Thr)

Gene: ELN (elastin; plus strand). Cytogenetic location: 7q11.23.
Variant type: single nucleotide variant.
Coding change: c.241G>A on transcript NM_000501.4 (MANE Select); coding-DNA position 241, G replaced by A.
Protein change: p.Ala81Thr; replaces alanine 81 with threonine.
Molecular consequence: missense variant.
Genome position (GRCh38, 1-based): chr7:74,042,622, G>A. VCF-style: chr7-74042622-G-A. GRCh37 (hg19) VCF-style: chr7-73456952-G-A.
Other names: c.211G>A, p.Ala71Thr (NM_001081752.3, NM_001278914.2, NM_001278917.2 and 1 more transcripts); c.241G>A, p.Ala81Thr (NM_001081753.3, NM_001081754.3, NM_001081755.3 and 4 more transcripts); c.205G>A, p.Ala69Thr (NM_001278913.2); short protein forms A69T, A71T, A81T.
Identifiers: ClinVar variation 3252321 (VCV003252321.1), dbSNP rs1320437218.
Genomic context (GRCh38, chr7:74,042,622, plus strand): 5'-AGTCTTCATAGGTGTGGTAGCTCAGGACCTCACCCCATCCTCCCCTCCGCAGGGCTCGGC[G>A]CCTTCCCCGCAGTTACCTTTCCGGGGGCTCTGGTGCCTGGTGGAGTGGCTGACGCTGCTG-3'
Protein context (NP_000492.2, residues 71-91): AGAGLGAGLG[Ala81Thr]FPAVTFPGAL